The following is an entry in ClinVar:

ClinVar aggregate classification (germline): Likely benign. Review status: criteria provided, multiple submitters, no conflicts (2 of 4 stars). 2 submissions from 2 submitters: Likely benign (2). Last evaluated 2025-05-12.

Conditions:
ADAMTS2-related disorder. Also called: ADAMTS2-related condition.
Ehlers-Danlos syndrome, dermatosparaxis type. Also called: Dermatosparaxis; EDS VIIC; Ehlers-Danlos syndrome, type VII, autosomal recessive. Identifiers: Orphanet 1901, MedGen C2700425, MONDO:0009161, OMIM 225410.

Allele frequency attached by ClinVar (database versions not stated): gnomAD 0.00001; gnomAD exomes 0.00001; ExAC 0.00002; TOPMed 0.00002.
gnomAD v4.1: 8 of 1,600,578 alleles (0.0005%); highest among the groups gnomAD compares: Admixed American, 0.013%; no homozygotes.

Submissions (2):

PreventionGenetics, part of Exact Sciences
Classification: Likely benign for ADAMTS2-related condition. Last evaluated: 2025-05-12. Review status: criteria provided, single submitter. Criteria: ACMG Guidelines, 2015. Collection method: clinical testing. Allele origin: germline.
Comment: This variant is classified as likely benign based on ACMG/AMP sequence variant interpretation guidelines (Richards et al. 2015 PMID: 25741868, with internal and published modifications).

Labcorp Genetics (formerly Invitae), Labcorp
Classification: Likely benign for Ehlers-Danlos syndrome, dermatosparaxis type. Last evaluated: 2024-02-23. Review status: criteria provided, single submitter. Criteria: Invitae Variant Classification Sherloc (09022015). Collection method: clinical testing. Allele origin: germline.

NM_014244.5(ADAMTS2):c.1383-7C>G

Gene: ADAMTS2 (ADAM metallopeptidase with thrombospondin type 1 motif 2; minus strand). Cytogenetic location: 5q35.3.
Variant type: single nucleotide variant.
Coding change: c.1383-7C>G on transcript NM_014244.5 (MANE Select); 7 bases into the intron before coding-DNA position 1383, C replaced by G.
Molecular consequence: intron variant.
Genome position (GRCh38, 1-based): chr5:179,153,630, G>C on the plus strand (C>G on the coding strand, the complement: ADAMTS2 is on the minus strand). VCF-style: chr5-179153630-G-C. GRCh37 (hg19) VCF-style: chr5-178580631-G-C.
Other names: c.1383-7C>G (NM_021599.4, NM_014244.4).
Identifiers: ClinVar variation 2061569 (VCV002061569.5), dbSNP rs777500170, ClinGen allele CA3595927.